The following is an entry in ClinVar:

ClinVar aggregate classification (germline): Uncertain significance. Review status: criteria provided, multiple submitters, no conflicts (2 of 4 stars). 2 submissions from 2 submitters: Uncertain significance (2). Last evaluated 2024-12-17.

Conditions:
Dyskeratosis congenita, autosomal dominant 2. Identifiers: MedGen C3151443, MONDO:0013521, OMIM 613989.
Idiopathic Pulmonary Fibrosis. Also called: Idiopathic fibrosing alveolitis, chronic form; idiopathic fibrosing alveolitis. Identifiers: Orphanet 2032, MedGen C1800706, MeSH D054990, MONDO:0800504.

Submissions (2):

ARUP Laboratories, Molecular Genetics and Genomics, ARUP Laboratories
Classification: Uncertain significance. Last evaluated: 2024-12-17. Review status: criteria provided, single submitter. Criteria: ARUP Molecular Germline Variant Investigation Process 2024. Collection method: clinical testing. Allele origin: germline.
Comment: The TERT c.1651G>A; p.Val551Met variant (rs1554041313), to our knowledge, is not reported in the medical literature but is reported in ClinVar (Variation ID: 471826). This variant is absent from the Genome Aggregation Database (v2.1.1), indicating it is not a common polymorphism. Computational analyses are uncertain whether this variant is neutral or deleterious (REVEL: 0.264). Due to limited information, the clinical significance of this variant is uncertain at this time.

Labcorp Genetics (formerly Invitae), Labcorp
Classification: Uncertain significance for Dyskeratosis congenita, autosomal dominant 2; Idiopathic Pulmonary Fibrosis. Last evaluated: 2019-10-02. Review status: criteria provided, single submitter. Criteria: Invitae Variant Classification Sherloc (09022015). Collection method: clinical testing. Allele origin: germline.
Comment: In summary, this variant is a novel missense change with uncertain impact on protein function. It has been classified as a Variant of Uncertain Significance. Algorithms developed to predict the effect of missense changes on protein structure and function do not agree on the potential impact of this missense change (SIFT: "Tolerated"; PolyPhen-2: "Possibly Damaging"; Align-GVGD: "Class C0"). This variant is not present in population databases (ExAC no frequency) and has not been reported in the literature in individuals with a TERT-related disease. This sequence change replaces valine with methionine at codon 551 of the TERT protein (p.Val551Met). The valine residue is weakly conserved and there is a small physicochemical difference between valine and methionine.

NM_198253.3(TERT):c.1651G>A (p.Val551Met)

Gene: TERT (telomerase reverse transcriptase; minus strand). Cytogenetic location: 5p15.33.
Variant type: single nucleotide variant.
Coding change: c.1651G>A on transcript NM_198253.3 (MANE Select); coding-DNA position 1651, G replaced by A.
Protein change: p.Val551Met; replaces valine 551 with methionine.
Molecular consequence: missense variant. On other transcripts: non-coding transcript variant (2).
Genome position (GRCh38, 1-based): chr5:1,282,547, C>T on the plus strand (G>A on the coding strand, the complement: TERT is on the minus strand). VCF-style: chr5-1282547-C-T. GRCh37 (hg19) VCF-style: chr5-1282662-C-T.
Other names: c.1651G>A, p.Val551Met (NM_001193376.3); short protein forms V551M.
Identifiers: ClinVar variation 471826 (VCV000471826.12), dbSNP rs1554041313, ClinGen allele CA359083214.